The following is an entry in ClinVar:

ClinVar aggregate classification (germline): Conflicting classifications of pathogenicity. Review status: criteria provided, conflicting classifications (1 of 4 stars). 5 submissions from 5 submitters: Uncertain significance (3); Likely benign (2). Last evaluated 2025-11-10.

Conditions:
Inborn genetic diseases. Identifiers: MedGen C0950123, MeSH D030342.
LAMA2-related muscular dystrophy (LAMA2-RD). Also called: Laminin alpha 2-related dystrophy. Identifiers: MedGen C5679788, MONDO:0100228.

Allele frequency attached by ClinVar (database versions not stated): gnomAD below 0.00001 and 0.00003; gnomAD exomes 0.00002 and 0.00004; TOPMed 0.00002; ExAC 0.00003; 1000 Genomes Project 0.00040; 1000 Genomes Project 30x 0.00047.
gnomAD v4.1: 38 of 1,613,048 alleles (0.0024%); highest among the groups gnomAD compares: East Asian, 0.027%; no homozygotes.

Submissions (5):

Labcorp Genetics (formerly Invitae), Labcorp
Classification: Likely benign for LAMA2-related muscular dystrophy. Last evaluated: 2025-11-10. Review status: criteria provided, single submitter. Criteria: Invitae Variant Classification Sherloc (09022015). Collection method: clinical testing. Allele origin: germline.

Ambry Genetics
Classification: Uncertain significance for Inborn genetic diseases. Last evaluated: 2023-12-11. Review status: criteria provided, single submitter. Criteria: Ambry Variant Classification Scheme 2023. Collection method: clinical testing. Allele origin: germline.

Revvity Omics, Revvity
Classification: Uncertain significance. Last evaluated: 2023-07-24. Review status: criteria provided, single submitter. Criteria: ACMG Guidelines, 2015. Collection method: clinical testing. Allele origin: germline.

Illumina Laboratory Services, Illumina
Classification: Uncertain significance. Last evaluated: 2022-11-08. Review status: criteria provided, single submitter. Criteria: ICSL CNVClassificationCriteria Aug2020. Collection method: clinical testing. Allele origin: unknown. Affected: yes.
Comment: The LAMA2 c.2361A>C (p.Lys787Asn) missense variant results in the substitution of lysine at amino acid position 787 with asparagine. To our knowledge, this variant has not been reported in the peer-reviewed literature. The highest frequency of this allele in the Genome Aggregation Database is 0.000326 in the East Asian population (version 2.1.1). This variant was identified in a homozygous state. Based on the available evidence, the c.2361A>C (p.Lys787Asn) variant is classified as a variant of uncertain significance for LAMA2-related muscular dystrophy.

Blueprint Genetics
Classification: Likely benign. Last evaluated: 2021-09-02. Review status: criteria provided, single submitter. Criteria: ACMG Guidelines, 2015. Collection method: clinical testing. Allele origin: germline.

NM_000426.4(LAMA2):c.2361A>C (p.Lys787Asn)

Gene: LAMA2 (laminin subunit alpha 2; plus strand). Cytogenetic location: 6q22.33.
Variant type: single nucleotide variant.
Coding change: c.2361A>C on transcript NM_000426.4 (MANE Select); coding-DNA position 2361, A replaced by C.
Protein change: p.Lys787Asn; replaces lysine 787 with asparagine.
Molecular consequence: missense variant.
Genome position (GRCh38, 1-based): chr6:129,270,662, A>C. VCF-style: chr6-129270662-A-C. GRCh37 (hg19) VCF-style: chr6-129591807-A-C.
Other names: c.2361A>C, p.Lys787Asn (NM_001079823.2); short protein forms K787N.
Identifiers: ClinVar variation 477453 (VCV000477453.13), dbSNP rs549956055, ClinGen allele CA3992917.